The following is an entry in ClinVar:

NM_004821.3(HAND1):c.215A>G (p.Tyr72Cys)

Gene: HAND1 (heart and neural crest derivatives expressed 1; minus strand). Cytogenetic location: 5q33.2.
Variant type: single nucleotide variant.
Coding change: c.215A>G on transcript NM_004821.3 (MANE Select); coding-DNA position 215, A replaced by G.
Protein change: p.Tyr72Cys; replaces tyrosine 72 with cysteine.
Molecular consequence: missense variant.
Genome position (GRCh38, 1-based): chr5:154,477,794, T>C on the plus strand (A>G on the coding strand, the complement: HAND1 is on the minus strand). VCF-style: chr5-154477794-T-C. GRCh37 (hg19) VCF-style: chr5-153857354-T-C.
Other names: c.215A>G (NM_004821.2); short protein forms Y72C.
Identifiers: ClinVar variation 1019101 (VCV001019101.10), dbSNP rs764242373, ClinGen allele CA3526602.

ClinVar aggregate classification (germline): Uncertain significance. Review status: criteria provided, multiple submitters, no conflicts (2 of 4 stars). 2 submissions from 2 submitters: Uncertain significance (2). Last evaluated 2025-10-07.

Conditions:
Hypoplastic left heart syndrome. Also called: Hypoplastic left ventricle; Hypoplastic left heart. Identifiers: Orphanet 2248, MedGen C0152101, MONDO:0004933, HP:0004383.

Allele frequency attached by ClinVar (database versions not stated): gnomAD 0.00001; gnomAD exomes 0.00001 and 0.00005; TOPMed 0.00002; ExAC 0.00004.

Submissions (2):

Ambry Genetics
Classification: Uncertain significance. Last evaluated: 2025-10-07. Review status: criteria provided, single submitter. Criteria: Ambry Variant Classification Scheme 2023. Collection method: clinical testing. Allele origin: germline.

Labcorp Genetics (formerly Invitae), Labcorp
Classification: Uncertain significance for Hypoplastic left heart syndrome. Last evaluated: 2025-09-02. Review status: criteria provided, single submitter. Criteria: Invitae Variant Classification Sherloc (09022015). Collection method: clinical testing. Allele origin: germline.
Comment: This sequence change replaces tyrosine, which is neutral and polar, with cysteine, which is neutral and slightly polar, at codon 72 of the HAND1 protein (p.Tyr72Cys). This variant is present in population databases (rs764242373, gnomAD 0.04%), and has an allele count higher than expected for a pathogenic variant. This variant has not been reported in the literature in individuals affected with HAND1-related conditions. ClinVar contains an entry for this variant (Variation ID: 1019101). An algorithm developed to predict the effect of missense changes on protein structure and function (PolyPhen-2) suggests that this variant is likely to be disruptive. In summary, the available evidence is currently insufficient to determine the role of this variant in disease. Therefore, it has been classified as a Variant of Uncertain Significance.